The following is an entry in ClinVar:

NM_020461.4(TUBGCP6):c.3563_3564insCGGACACGTGTCTGATGCCAGCATCAGCTTGGGGGAGTCTGTGTCAGACATGGCTCCCGCCCGGCCACGGTGGAACACCCA (p.Ala1181_Pro1207dup)

Gene: TUBGCP6 (tubulin gamma complex component 6; minus strand). Cytogenetic location: 22q13.33.
Variant type: Insertion.
Coding change: c.3563_3564insCGGACACGTGTCTGATGCCAGCATCAGCTTGGGGGAGTCTGTGTCAGACATGGCTCCCGCCCGGCCACGGTGGAACACCCA on transcript NM_020461.4 (MANE Select); coding-DNA positions 3563 to 3564, CGGACACGTGTCTGATGCCAGCATCAGCTTGGGGGAGTCTGTGTCAGACATGGCTCCCGCCCGGCCACGGTGGAACACCCA inserted.
Protein change: p.Ala1181_Pro1207dup.
Molecular consequence: inframe insertion.
Genome position: GRCh38: chr22:50,220,863-50,220,864. GRCh37 (hg19): chr22:50,659,292-50,659,293.
Identifiers: ClinVar variation 1378303 (VCV001378303.7), dbSNP rs1602508770, ClinGen allele CA640353761.

ClinVar aggregate classification (germline): Uncertain significance (1 of 4 stars; one submission).

Submission:

Labcorp Genetics (formerly Invitae), Labcorp
Classification: Uncertain significance. Last evaluated: 2026-01-07. Review status: criteria provided, single submitter. Criteria: Invitae Variant Classification Sherloc (09022015). Collection method: clinical testing. Allele origin: germline.
Comment: This variant, c.3563_3564ins81, results in the insertion of 27 amino acid(s) of the TUBGCP6 protein (p.Ala1181_Pro1207dup), but otherwise preserves the integrity of the reading frame. The frequency data for this variant in the population databases is considered unreliable, as metrics indicate poor data quality at this position in the gnomAD database. This variant has not been reported in the literature in individuals affected with TUBGCP6-related conditions. ClinVar contains an entry for this variant (Variation ID: 1378303). Experimental studies and prediction algorithms are not available or were not evaluated, and the functional significance of this variant is currently unknown. In summary, the available evidence is currently insufficient to determine the role of this variant in disease. Therefore, it has been classified as a Variant of Uncertain Significance.